The following is an entry in ClinVar:

NM_000136.3(FANCC):c.565C>A (p.Pro189Thr)

Genes: AOPEP (aminopeptidase O (putative); plus strand), FANCC (FA complementation group C; minus strand). Cytogenetic location: 9q22.32.
Variant type: single nucleotide variant.
Coding change: c.565C>A on transcript NM_000136.3 (MANE Select); coding-DNA position 565, C replaced by A.
Protein change: p.Pro189Thr; replaces proline 189 with threonine.
Molecular consequence: missense variant.
Genome position (GRCh38, 1-based): chr9:95,150,044, G>T on the plus strand (C>A on the coding strand, the complement: FANCC is on the minus strand). VCF-style: chr9-95150044-G-T. GRCh37 (hg19) VCF-style: chr9-97912326-G-T.
Other names: c.565C>A, p.Pro189Thr (NM_001243743.2, NM_001243744.2); short protein forms P189T.
Identifiers: ClinVar variation 825878 (VCV000825878.13), dbSNP rs377620735, ClinGen allele CA5137691.

ClinVar aggregate classification (germline): Uncertain significance. Review status: criteria provided, multiple submitters, no conflicts (2 of 4 stars). 3 submissions from 3 submitters: Uncertain significance (2). 1 of the submissions does not count toward it. Last evaluated 2023-03-18.

Conditions:
Hereditary cancer-predisposing syndrome. Also called: Neoplastic Syndromes, Hereditary; Tumor predisposition; Hereditary neoplastic syndrome; Hereditary Cancer Syndrome. Identifiers: Orphanet 140162, MedGen C0027672, MeSH D009386, MONDO:0015356.
Fanconi anemia complementation group C (FANCC). Also called: FANCONI PANCYTOPENIA, TYPE 3; FACC; Fanconi anemia, group C; FANCC-Related Fanconi Anemia. Identifiers: Orphanet 84, MedGen C3468041, MONDO:0009213, OMIM 227645.
Fanconi anemia (FA). Also called: Fanconi's anemia. Identifiers: Orphanet 84, MedGen C0015625, MeSH D005199, MONDO:0019391.

Allele frequency attached by ClinVar (database versions not stated): ExAC 0.00002; TOPMed 0.00004; ESP Exome Variant Server 0.00008.
gnomAD v4.1: 18 of 1,613,956 alleles (0.0011%); highest among the groups gnomAD compares: Non-Finnish European, 0.0015%; no homozygotes.

Submissions (3):

Ambry Genetics
Classification: Uncertain significance for Hereditary cancer-predisposing syndrome. Last evaluated: 2023-03-18. Review status: criteria provided, single submitter. Criteria: Ambry Variant Classification Scheme 2023. Collection method: clinical testing. Allele origin: germline.
Comment: The p.P189T variant (also known as c.565C>A), located in coding exon 6 of the FANCC gene, results from a C to A substitution at nucleotide position 565. The proline at codon 189 is replaced by threonine, an amino acid with highly similar properties. This amino acid position is highly conserved in available vertebrate species. In addition, this alteration is predicted to be deleterious by in silico analysis. Since supporting evidence is limited at this time, the clinical significance of this alteration remains unclear.

Labcorp Genetics (formerly Invitae), Labcorp
Classification: Uncertain significance for Fanconi anemia. Last evaluated: 2022-04-18. Review status: criteria provided, single submitter. Criteria: Invitae Variant Classification Sherloc (09022015). Collection method: clinical testing. Allele origin: germline.
Comment: In summary, the available evidence is currently insufficient to determine the role of this variant in disease. Therefore, it has been classified as a Variant of Uncertain Significance. Algorithms developed to predict the effect of missense changes on protein structure and function are either unavailable or do not agree on the potential impact of this missense change (SIFT: "Tolerated"; PolyPhen-2: "Possibly Damaging"; Align-GVGD: "Class C0"). ClinVar contains an entry for this variant (Variation ID: 825878). This variant has not been reported in the literature in individuals affected with FANCC-related conditions. This variant is present in population databases (rs377620735, gnomAD 0.002%). This sequence change replaces proline, which is neutral and non-polar, with threonine, which is neutral and polar, at codon 189 of the FANCC protein (p.Pro189Thr).

Natera, Inc.
Classification: Uncertain significance for Fanconi anemia, group C. Last evaluated: 2020-09-16. Review status: no assertion criteria provided. Collection method: clinical testing. Allele origin: germline. Not counted in ClinVar's aggregate classification.